The following is an entry in ClinVar:

NM_001498.4(GCLC):c.-29AGG[8]

Genes: GCLC (glutamate-cysteine ligase catalytic subunit; minus strand), LOC129996649 (ATAC-STARR-seq lymphoblastoid silent region 17291; plus strand). Cytogenetic location: 6p12.1.
Variant type: Microsatellite.
Coding change: c.-29AGG[8] on transcript NM_001498.4 (MANE Select); eight copies in a row of the 3-base unit AGG starting at c.-29; the reference has seven copies in a row; one copy, 3 bases duplicated.
Molecular consequence: 5 prime UTR variant.
Genome position (GRCh38, 1-based): chr6:53,544,654-53,544,656, CCT duplicated on the plus strand (AGG on the coding strand, the reverse complement: GCLC is on the minus strand); duplicating any 3 consecutive bases within chr6:53,544,654-53,544,676 gives the same sequence; the position shown is the placement nearest the transcript's 3' end. VCF-style (leftmost placement, unchanged base first): chr6-53544653-C-CCCT. GRCh37 (hg19) VCF-style: chr6-53409451-C-CCCT.
Other names: c.-29AGG[8] (NM_001197115.2); c.-11_-9dup (NM_001498.4).
Identifiers: ClinVar variation 446101 (VCV000446101.20), dbSNP rs3830798, ClinGen allele CA3860466.

ClinVar aggregate classification (germline): Benign/Likely benign. Review status: criteria provided, multiple submitters, no conflicts (2 of 4 stars). 4 submissions from 4 submitters: Benign (2); Likely benign (1). 1 of the submissions does not count toward it. Last evaluated 2025-07-31.

Conditions:
GCLC-related disorder. Also called: GCLC-related condition.

Submissions (4):

ARUP Laboratories, Molecular Genetics and Genomics, ARUP Laboratories
Classification: Benign. Last evaluated: 2025-07-31. Review status: criteria provided, single submitter. Criteria: ARUP Molecular Germline Variant Investigation Process 2024. Collection method: clinical testing. Allele origin: germline.

Mayo Clinic Laboratories, Mayo Clinic
Classification: Likely benign. Last evaluated: 2025-01-10. Review status: criteria provided, single submitter. Criteria: ACMG Guidelines, 2015. Collection method: clinical testing. Allele origin: germline. Observed: 292 variant alleles.
Comment: BS1, BS2

GeneDx
Classification: Benign. Last evaluated: 2021-06-19. Review status: criteria provided, single submitter. Criteria: GeneDx Variant Classification Process June 2021. Collection method: clinical testing. Allele origin: germline. Affected: yes.

PreventionGenetics, part of Exact Sciences
Classification: Benign for GCLC-related condition. Last evaluated: 2019-05-23. Review status: no assertion criteria provided. Collection method: clinical testing. Allele origin: germline. Not counted in ClinVar's aggregate classification.
Comment: This variant is classified as benign based on ACMG/AMP sequence variant interpretation guidelines (Richards et al. 2015 PMID: 25741868, with internal and published modifications).